The following is an entry in ClinVar:

ClinVar aggregate classification (germline): Uncertain significance. Review status: criteria provided, multiple submitters, no conflicts (2 of 4 stars). 2 submissions from 2 submitters: Uncertain significance (2). Last evaluated 2025-11-13.

Conditions:
Familial hemophagocytic lymphohistiocytosis 3 (FHL3). Also called: UNC13D-Related Familial Hemophagocytic Lymphohistiocytosis (UNC13D-fHLH). Identifiers: Orphanet 540, MedGen C1837174, MONDO:0012146, OMIM 608898.

Allele frequency attached by ClinVar (database versions not stated): gnomAD 0.00001; gnomAD exomes 0.00001; TOPMed 0.00001.
gnomAD v4.1: 9 of 1,555,698 alleles (0.00058%); highest among the groups gnomAD compares: Admixed American, 0.0019%; no homozygotes.

Submissions (2):

Mayo Clinic Laboratories, Mayo Clinic
Classification: Uncertain significance. Last evaluated: 2025-11-13. Review status: criteria provided, single submitter. Criteria: ACMG Guidelines, 2015. Collection method: clinical testing. Allele origin: germline. Observed: 1 variant allele.
Comment: BP4, PM2_supporting

Labcorp Genetics (formerly Invitae), Labcorp
Classification: Uncertain significance for Familial hemophagocytic lymphohistiocytosis 3. Last evaluated: 2021-07-28. Review status: criteria provided, single submitter. Criteria: Invitae Variant Classification Sherloc (09022015). Collection method: clinical testing. Allele origin: germline.
Comment: In summary, the available evidence is currently insufficient to determine the role of this variant in disease. Therefore, it has been classified as a Variant of Uncertain Significance. Algorithms developed to predict the effect of missense changes on protein structure and function are either unavailable or do not agree on the potential impact of this missense change (SIFT: "Not Available"; PolyPhen-2: "Benign"; Align-GVGD: "Not Available"). This variant has not been reported in the literature in individuals with UNC13D-related conditions. The frequency data for this variant in the population databases is considered unreliable, as metrics indicate poor data quality at this position in the ExAC database. This sequence change replaces proline with serine at codon 1043 of the UNC13D protein (p.Pro1043Ser). The proline residue is moderately conserved and there is a moderate physicochemical difference between proline and serine.

NM_199242.3(UNC13D):c.3127C>T (p.Pro1043Ser)

Gene: UNC13D (unc-13 homolog D; minus strand). Cytogenetic location: 17q25.1.
Variant type: single nucleotide variant.
Coding change: c.3127C>T on transcript NM_199242.3 (MANE Select); coding-DNA position 3127, C replaced by T.
Protein change: p.Pro1043Ser; replaces proline 1043 with serine.
Molecular consequence: missense variant.
Genome position (GRCh38, 1-based): chr17:75,828,811, G>A on the plus strand (C>T on the coding strand, the complement: UNC13D is on the minus strand). VCF-style: chr17-75828811-G-A. GRCh37 (hg19) VCF-style: chr17-73824892-G-A.
Other names: p.Pro1043Ser; c.3127C>T (NM_199242.2); short protein forms P1043S.
Identifiers: ClinVar variation 1061114 (VCV001061114.8), dbSNP rs780811495, ClinGen allele CA8772268.